The following is an entry in ClinVar:

ClinVar aggregate classification (germline): Likely benign. Review status: criteria provided, single submitter (1 of 4 stars). 2 submissions from 2 submitters: Likely benign (1). 1 of the submissions does not count toward it. Last evaluated 2026-09-01.

Conditions:
ZFHX3-related disorder. Also called: ZFHX3-related condition.

Submissions (2):

CeGaT Center for Human Genetics Tuebingen
Classification: Likely benign. Last evaluated: 2026-09-01. Review status: criteria provided, single submitter. Criteria: CeGaT Center For Human Genetics Tuebingen Variant Classification Criteria Version 2. Collection method: clinical testing. Allele origin: germline. Affected: yes. Observed: 6 variant alleles.
Comment: ZFHX3: BS2

PreventionGenetics, part of Exact Sciences
Classification: Likely benign for ZFHX3-related condition. Last evaluated: 2019-11-01. Review status: no assertion criteria provided. Collection method: clinical testing. Allele origin: germline. Not counted in ClinVar's aggregate classification.
Comment: This variant is classified as likely benign based on ACMG/AMP sequence variant interpretation guidelines (Richards et al. 2015 PMID: 25741868, with internal and published modifications).

NM_006885.4(ZFHX3):c.10537_10560del (p.Ser3513_Gly3520del)

Genes: ZFHX3 (zinc finger homeobox 3; minus strand), ZFHX3-AS1 (ZFHX3 antisense RNA 1; plus strand). Cytogenetic location: 16q22.2.
Variant type: Deletion.
Coding change: c.10537_10560del on transcript NM_006885.4 (MANE Select); coding-DNA positions 10537 to 10560, 24 bases deleted (AGTGGCGGCGGCGGCGGCGGTGGC).
Protein change: p.Ser3513_Gly3520del.
Molecular consequence: inframe deletion.
Genome position (GRCh38, 1-based): chr16:72,787,716-72,787,739, GCCACCGCCGCCGCCGCCGCCACT deleted on the plus strand (AGTGGCGGCGGCGGCGGCGGTGGC on the coding strand, the reverse complement: ZFHX3 is on the minus strand); deleting any 24 consecutive bases within chr16:72,787,716-72,787,758 gives the same sequence; the c. name uses the placement nearest the transcript's 3' end. VCF-style (leftmost placement, unchanged base first): chr16-72787715-CGCCACCGCCGCCGCCGCCGCCACT-C. GRCh37 (hg19) VCF-style: chr16-72821614-CGCCACCGCCGCCGCCGCCGCCACT-C.
Other names: c.10537_10560del24 (NM_006885.3); c.7795_7818del, p.Ser2599_Gly2606del (NM_001164766.2); c.10537_10560del, p.Ser3513_Gly3520del (NM_001386735.1).
Identifiers: ClinVar variation 2646813 (VCV002646813.25), dbSNP rs750348888, ClinGen allele CA8162405.